The following is an entry in ClinVar:

ClinVar aggregate classification (germline): Uncertain significance (1 of 4 stars; one submission).

Conditions:
Marbach-Schaaf neurodevelopmental syndrome (MASNS). Identifiers: Orphanet 692173, MedGen C5562050, MONDO:0859214, OMIM 619680.

Submission:

3billion
Classification: Uncertain significance for Marbach-Schaaf neurodevelopmental syndrome. Last evaluated: 2022-03-22. Review status: criteria provided, single submitter. Criteria: ACMG Guidelines, 2015. Collection method: clinical testing. Allele origin: germline. Affected: yes. Observed: 1 heterozygote.
Comment: The variant is not observed in the gnomAD v2.1.1 dataset. In silico tool predictions suggest damaging effect of the variant on gene or gene product (REVEL: 0.734>=0.6, 3CNET: 0.996>=0.75). A missense variant is a common mechanism . Therefore, this variant is classified as uncertain significance according to the recommendation of ACMG/AMP guideline.

NM_001164760.2(PRKAR1B):c.1142T>G (p.Val381Gly)

Gene: PRKAR1B (protein kinase cAMP-dependent type I regulatory subunit beta; minus strand). Cytogenetic location: 7p22.3.
Variant type: single nucleotide variant.
Coding change: c.1142T>G on transcript NM_001164760.2 (MANE Select); coding-DNA position 1142, T replaced by G.
Protein change: p.Val381Gly; replaces valine 381 with glycine.
Molecular consequence: missense variant.
Genome position (GRCh38, 1-based): chr7:550,434, A>C on the plus strand (T>G on the coding strand, the complement: PRKAR1B is on the minus strand). VCF-style: chr7-550434-A-C. GRCh37 (hg19) VCF-style: chr7-590071-A-C.
Other names: c.1142T>G, p.Val381Gly (NM_001164758.2, NM_001164759.1, NM_001164761.2 and 2 more transcripts); short protein forms V381G.
Identifiers: ClinVar variation 1526212 (VCV001526212.1), dbSNP rs2128416443, ClinGen allele CA366535340.